The following is an entry in ClinVar:

ClinVar aggregate classification (germline): Pathogenic (1 of 4 stars; one submission).

Submission:

Labcorp Genetics (formerly Invitae), Labcorp
Classification: Pathogenic. Last evaluated: 2023-05-08. Review status: criteria provided, single submitter. Criteria: Invitae Variant Classification Sherloc (09022015). Collection method: clinical testing. Allele origin: germline.
Comment: For these reasons, this variant has been classified as Pathogenic. This variant disrupts the p.Arg1368 amino acid residue in ABCA4. Other variant(s) that disrupt this residue have been observed in individuals with ABCA4-related conditions (PMID: 22229821; Invitae), which suggests that this may be a clinically significant amino acid residue. Advanced modeling of protein sequence and biophysical properties (such as structural, functional, and spatial information, amino acid conservation, physicochemical variation, residue mobility, and thermodynamic stability) performed at Invitae indicates that this missense variant is expected to disrupt ABCA4 protein function. ClinVar contains an entry for this variant (Variation ID: 1452798). This missense change has been observed in individual(s) with Stargardt disease (Invitae). This variant is not present in population databases (gnomAD no frequency). This sequence change replaces arginine, which is basic and polar, with leucine, which is neutral and non-polar, at codon 1368 of the ABCA4 protein (p.Arg1368Leu).

Literature cited by the submitters: PubMed 22229821.

NM_000350.3(ABCA4):c.4103G>T (p.Arg1368Leu)

Gene: ABCA4 (ATP binding cassette subfamily A member 4; minus strand). Cytogenetic location: 1p22.1.
Variant type: single nucleotide variant.
Coding change: c.4103G>T on transcript NM_000350.3 (MANE Select); coding-DNA position 4103, G replaced by T.
Protein change: p.Arg1368Leu; replaces arginine 1368 with leucine.
Molecular consequence: missense variant.
Genome position (GRCh38, 1-based): chr1:94,031,803, C>A on the plus strand (G>T on the coding strand, the complement: ABCA4 is on the minus strand). VCF-style: chr1-94031803-C-A. GRCh37 (hg19) VCF-style: chr1-94497359-C-A.
Other names: c.3881G>T, p.Arg1294Leu (NM_001425324.1); short protein forms R1368L, R1294L.
Identifiers: ClinVar variation 1452798 (VCV001452798.8), dbSNP rs761163530, ClinGen allele CA341286789.